The following is an entry in ClinVar:

NM_147127.5(EVC2):c.1006G>T (p.Val336Phe)

Gene: EVC2 (EvC ciliary complex subunit 2; minus strand). Cytogenetic location: 4p16.2.
Variant type: single nucleotide variant.
Coding change: c.1006G>T on transcript NM_147127.5 (MANE Select); coding-DNA position 1006, G replaced by T.
Protein change: p.Val336Phe; replaces valine 336 with phenylalanine.
Molecular consequence: missense variant.
Genome position (GRCh38, 1-based): chr4:5,663,246, C>A on the plus strand (G>T on the coding strand, the complement: EVC2 is on the minus strand). VCF-style: chr4-5663246-C-A. GRCh37 (hg19) VCF-style: chr4-5664973-C-A.
Other names: c.766G>T, p.Val256Phe (NM_001166136.2); short protein forms V256F, V336F.
Identifiers: ClinVar variation 2934559 (VCV002934559.3), dbSNP rs761732269, ClinGen allele CA2835180.

ClinVar aggregate classification (germline): Uncertain significance (1 of 4 stars; one submission).

Conditions:
Curry-Hall syndrome (WAD). Also called: WEYERS ACRODENTAL DYSOSTOSIS. Identifiers: Orphanet 952, MedGen C0457013, MONDO:0008673, OMIM 193530.
Ellis-van Creveld syndrome (EVC). Also called: EVC-Related Ellis-van Creveld Syndrome; EVC2-Related Ellis-van Creveld Syndrome; MESOECTODERMAL DYSPLASIA; Chondroectodermal dysplasia. Identifiers: Orphanet 289, MedGen C0013903, MONDO:0009162, OMIM 225500.

Allele frequency attached by ClinVar (database versions not stated): gnomAD 0.00001.
gnomAD v4.1: 5 of 1,613,926 alleles (0.00031%); highest among the groups gnomAD compares: African/African-American, 0.0027%; no homozygotes.

Submission:

Labcorp Genetics (formerly Invitae), Labcorp
Classification: Uncertain significance for Curry-Hall syndrome; Ellis-van Creveld syndrome. Last evaluated: 2024-01-02. Review status: criteria provided, single submitter. Criteria: Invitae Variant Classification Sherloc (09022015). Collection method: clinical testing. Allele origin: germline.
Comment: This sequence change replaces valine, which is neutral and non-polar, with phenylalanine, which is neutral and non-polar, at codon 336 of the EVC2 protein (p.Val336Phe). This variant is present in population databases (rs761732269, gnomAD 0.003%). This variant has not been reported in the literature in individuals affected with EVC2-related conditions. An algorithm developed to predict the effect of missense changes on protein structure and function (PolyPhen-2) suggests that this variant is likely to be disruptive. Algorithms developed to predict the effect of sequence changes on RNA splicing suggest that this variant may disrupt the consensus splice site. In summary, the available evidence is currently insufficient to determine the role of this variant in disease. Therefore, it has been classified as a Variant of Uncertain Significance.